The following is an entry in ClinVar:

ClinVar aggregate classification (germline): Pathogenic (1 of 4 stars; one submission).

Conditions:
Familial dysautonomia. Also called: HSAN III; FD. Identifiers: Orphanet 1764, MedGen C0013364, MONDO:0009131, OMIM 223900. Disease mechanism: loss of function.

Submission:

Myriad Genetics, Inc.
Classification: Pathogenic for Familial dysautonomia. Last evaluated: 2023-08-18. Review status: criteria provided, single submitter. Criteria: Myriad Autosomal Dominant, Autosomal Recessive and X-Linked Classification Criteria (2023). Collection method: clinical testing. Allele origin: unknown.
Comment: NM_003640.3(ELP1):c.3577_3581del5ins4(S1193Qfs*30) is expected to be pathogenic in the context of familial dysautonomia. This variant is predicted to lead to an abnormal or absent protein product due to the creation of a premature termination codon in ELP1, a gene where loss-of-function variants are known to be pathogenic. Please note: this variant was assessed in the context of healthy population screening.

NM_003640.5(ELP1):c.3577_3581delinsCAGT (p.Ser1193fs)

Gene: ELP1 (elongator acetyltransferase complex subunit 1; minus strand). Cytogenetic location: 9q31.3.
Variant type: Indel.
Coding change: c.3577_3581delinsCAGT on transcript NM_003640.5 (MANE Select); coding-DNA positions 3577 to 3581, TCATC replaced by CAGT.
Protein change: p.Ser1193fs; shifts the reading frame from serine 1193.
Molecular consequence: frameshift variant.
Genome position (GRCh38, 1-based): chr9:108,878,742-108,878,746, GATGA replaced by ACTG on the plus strand (TCATC replaced by CAGT on the coding strand, the reverse complement: ELP1 is on the minus strand). VCF-style: chr9-108878742-GATGA-ACTG. GRCh37 (hg19) VCF-style: chr9-111641022-GATGA-ACTG.
Other names: c.3235_3239delinsCAGT, p.Ser1079fs (NM_001318360.2); c.2530_2534delinsCAGT, p.Ser844fs (NM_001330749.2); short protein forms S1079fs, S1193fs, S844fs.
Identifiers: ClinVar variation 5011389 (VCV005011389.1).